The following is an entry in ClinVar:

ClinVar aggregate classification (germline): Conflicting classifications of pathogenicity. Review status: criteria provided, conflicting classifications (1 of 4 stars). 3 submissions from 3 submitters: Uncertain significance (2); Likely benign (1). Last evaluated 2025-02-16.

Conditions:
POLD1-related polyposis and colorectal cancer syndrome (CRCS10). Also called: Colorectal cancer 10; COLORECTAL CANCER, SUSCEPTIBILITY TO, ON CHROMOSOME 19q; Colorectal cancer, susceptibility to, 10. Identifiers: Orphanet 220460, MedGen C2675481, MONDO:0012953, OMIM 612591.
Hereditary cancer-predisposing syndrome. Also called: Neoplastic Syndromes, Hereditary; Hereditary neoplastic syndrome; Tumor predisposition; Hereditary Cancer Syndrome. Identifiers: Orphanet 140162, MedGen C0027672, MeSH D009386, MONDO:0015356.

Allele frequency attached by ClinVar (database versions not stated): gnomAD exomes below 0.00001 and 0.00001; gnomAD 0.00001.
gnomAD v4.1: 5 of 1,609,120 alleles (0.00031%); highest among the groups gnomAD compares: South Asian, 0.0011%; no homozygotes.

Submissions (3):

Labcorp Genetics (formerly Invitae), Labcorp
Classification: Likely benign for POLD1-related polyposis and colorectal cancer syndrome. Last evaluated: 2025-02-16. Review status: criteria provided, single submitter. Criteria: Invitae Variant Classification Sherloc (09022015). Collection method: clinical testing. Allele origin: germline.

Ambry Genetics
Classification: Uncertain significance for Hereditary cancer-predisposing syndrome. Last evaluated: 2025-01-23. Review status: criteria provided, single submitter. Criteria: Ambry Variant Classification Scheme 2023. Collection method: clinical testing. Allele origin: germline.
Comment: The c.2717+4C>T intronic variant results from a C to T substitution 4 nucleotides after coding exon 20 in the POLD1 gene. This nucleotide position is not well conserved in available vertebrate species. In silico splice site analysis predicts that this alteration will not have any significant effect on splicing. Based on the available evidence, the clinical significance of this variant remains unclear.

GeneDx
Classification: Uncertain significance. Last evaluated: 2016-07-25. Review status: criteria provided, single submitter. Criteria: GeneDx Variant Classification (06012015). Collection method: clinical testing. Allele origin: germline. Affected: yes.
Comment: This variant is denoted POLD1 c.2717+4C>T or IVS21+4C>T and consists of a C>T nucleotide substitution at the +4 position of intron 21 of the POLD1 gene. POLD1 c.2717+4C>T was not observed in approximately 6,500 individuals of European and African American ancestry in the NHLBI Exome Sequencing Project, suggesting it is not a common benign variant in these populations. This variant has not, to our knowledge, been published in the literature as pathogenic or benign. The cytosine (C) nucleotide that is altered is not conserved across species. In silico models are inconclusive with respect to splicing, and in the absence of RNA or functional studies, the actual effect of this variant is unknown. Based on currently available information, it is unclear whether POLD1 c.2717+4C>T is a pathogenic or benign variant. We consider it to be a variant of uncertain significance.

NM_002691.4(POLD1):c.2717+4C>T

Gene: POLD1 (DNA polymerase delta 1, catalytic subunit; plus strand). Cytogenetic location: 19q13.33.
Variant type: single nucleotide variant.
Coding change: c.2717+4C>T on transcript NM_002691.4 (MANE Select); 4 bases into the intron after coding-DNA position 2717, C replaced by T.
Molecular consequence: intron variant.
Genome position (GRCh38, 1-based): chr19:50,415,594, C>T. VCF-style: chr19-50415594-C-T. GRCh37 (hg19) VCF-style: chr19-50918851-C-T.
Other names: c.2795+4C>T (LRG_785t2, NM_001308632.1); c.2717+4C>T (LRG_785t1, NM_001256849.1).
Identifiers: ClinVar variation 421789 (VCV000421789.16), dbSNP rs1064795361, ClinGen allele CA16620898.